The following is an entry in ClinVar:

ClinVar aggregate classification (germline): Likely pathogenic (1 of 4 stars; one submission).

Conditions:
Generalized juvenile polyposis/juvenile polyposis coli. Also called: Juvenile polyposis coli. Identifiers: Orphanet 329971, MedGen C1868081, MONDO:0008276.

Submission:

Labcorp Genetics (formerly Invitae), Labcorp
Classification: Likely pathogenic for Juvenile polyposis syndrome. Last evaluated: 2019-12-24. Review status: criteria provided, single submitter. Criteria: Invitae Variant Classification Sherloc (09022015). Collection method: clinical testing. Allele origin: germline.
Comment: This sequence change replaces isoleucine with arginine at codon 383 of the SMAD4 protein (p.Ile383Arg). The isoleucine residue is highly conserved and there is a moderate physicochemical difference between isoleucine and arginine. This variant is not present in population databases (ExAC no frequency). This variant has been observed in individual(s) with juvenile polyposis and hereditary hemorrhagic telangiectasia (PMID: 30251589, Invitae). In at least one individual the variant was observed to be de novo. ClinVar contains an entry for this variant (Variation ID: 652013). Algorithms developed to predict the effect of missense changes on protein structure and function (SIFT, PolyPhen-2, Align-GVGD) all suggest that this variant is likely to be disruptive, but these predictions have not been confirmed by published functional studies and their clinical significance is uncertain. In summary, the currently available evidence indicates that the variant is pathogenic, but additional data are needed to prove that conclusively. Therefore, this variant has been classified as Likely Pathogenic.

Literature cited by the submitters: PubMed 30251589.

NM_005359.6(SMAD4):c.1148T>G (p.Ile383Arg)

Gene: SMAD4 (SMAD family member 4; plus strand). Cytogenetic location: 18q21.2.
Variant type: single nucleotide variant.
Coding change: c.1148T>G on transcript NM_005359.6 (MANE Select); coding-DNA position 1148, T replaced by G.
Protein change: p.Ile383Arg; replaces isoleucine 383 with arginine.
Molecular consequence: missense variant.
Genome position (GRCh38, 1-based): chr18:51,067,027, T>G. VCF-style: chr18-51067027-T-G. GRCh37 (hg19) VCF-style: chr18-48593397-T-G.
Other names: short protein forms I383R.
Identifiers: ClinVar variation 652013 (VCV000652013.2), dbSNP rs377767355, ClinGen allele CA402464728.